The following is an entry in ClinVar:

NM_017852.5(NLRP2):c.2061_2062delinsGG (p.Phe687_Trp688delinsLeuGly)

Gene: NLRP2 (NLR family pyrin domain containing 2; plus strand). Cytogenetic location: 19q13.42.
Variant type: Indel.
Coding change: c.2061_2062delinsGG on transcript NM_017852.5 (MANE Select); coding-DNA positions 2061 to 2062, CT replaced by GG.
Protein change: p.Phe687_Trp688delinsLeuGly.
Molecular consequence: missense variant. On other transcripts: non-coding transcript variant (1).
Genome position (GRCh38, 1-based): chr19:54,985,077-54,985,078, CT replaced by GG. VCF-style: chr19-54985077-CT-GG. GRCh37 (hg19) VCF-style: chr19-55496445-CT-GG.
Other names: c.2061_2062delinsGG, p.Phe687_Trp688delinsLeuGly (NM_001174081.3); c.1995_1996delinsGG, p.Phe665_Trp666delinsLeuGly (NM_001174082.3); c.1992_1993delinsGG, p.Phe664_Trp665delinsLeuGly (NM_001174083.2); c.2052_2053delinsGG, p.Phe684_Trp685delinsLeuGly (NM_001348003.2).
Identifiers: ClinVar variation 2582070 (VCV002582070.1), dbSNP rs2516630533, ClinGen allele CA2582342963.

ClinVar aggregate classification (germline): Uncertain significance (1 of 4 stars; one submission).

Submission:

GeneDx
Classification: Uncertain significance. Last evaluated: 2023-03-26. Review status: criteria provided, single submitter. Criteria: GeneDx Variant Classification Process June 2021. Collection method: clinical testing. Allele origin: germline. Affected: yes.
Comment: Not observed at significant frequency in large population cohorts (gnomAD); In silico analysis supports that this variant does not alter protein structure/function; Has not been previously published as pathogenic or benign to our knowledge